The following is an entry in ClinVar:

NM_000552.5(VWF):c.902A>G (p.Tyr301Cys)

Gene: VWF (von Willebrand factor; minus strand). Cytogenetic location: 12p13.31.
Variant type: single nucleotide variant.
Coding change: c.902A>G on transcript NM_000552.5 (MANE Select); coding-DNA position 902, A replaced by G.
Protein change: p.Tyr301Cys; replaces tyrosine 301 with cysteine.
Molecular consequence: missense variant.
Genome position (GRCh38, 1-based): chr12:6,073,714, T>C on the plus strand (A>G on the coding strand, the complement: VWF is on the minus strand). VCF-style: chr12-6073714-T-C. GRCh37 (hg19) VCF-style: chr12-6182880-T-C.
Other names: short protein forms Y301C.
Identifiers: ClinVar variation 3389447 (VCV003389447.14).
Genomic context (GRCh38, chr12:6,073,714, plus strand): 5'-CACATTTCATTGATGTGCAGGCTCTGGCAGGTCCTGGCGCAAGGGGACACACACTGCCTA[T>C]ACTCCATACCAGCAGGGCACACTGGGCCTGAAAAGGAACATCAAAGGGGTCTACCCAGGG-3'
Protein context (NP_000543.3, residues 291-311): CSPVCPAGME[Tyr301Cys]RQCVSPCART

ClinVar aggregate classification (germline): Uncertain significance (1 of 4 stars; one submission).

gnomAD v4.1: 4 of 1,613,898 alleles (0.00025%); highest among the groups gnomAD compares: Non-Finnish European, 0.00025%; no homozygotes.

Submission:

CeGaT Center for Human Genetics Tuebingen
Classification: Uncertain significance. Last evaluated: 2024-11-01. Review status: criteria provided, single submitter. Criteria: CeGaT Center For Human Genetics Tuebingen Variant Classification Criteria Version 2. Collection method: clinical testing. Allele origin: germline. Affected: yes. Observed: 1 variant allele.
Comment: VWF: PM2, PM3:Supporting, PP4